The following is an entry in ClinVar:

NM_032977.4(CASP10):c.1564T>A (p.Leu522Ile)

Gene: CASP10 (caspase 10; plus strand). Cytogenetic location: 2q33.1.
Variant type: single nucleotide variant.
Coding change: c.1564T>A on transcript NM_032977.4 (MANE Select); coding-DNA position 1564, T replaced by A.
Protein change: p.Leu522Ile; replaces leucine 522 with isoleucine.
Molecular consequence: missense variant. On other transcripts: 3 prime UTR variant (1), intron variant (2).
Genome position (GRCh38, 1-based): chr2:201,217,736, T>A. VCF-style: chr2-201217736-T-A. GRCh37 (hg19) VCF-style: chr2-202082459-T-A.
Other names: c.1363T>A, p.Leu455Ile (NM_001206524.2); c.1435T>A, p.Leu479Ile (NM_001230.5); c.*650T>A (NM_032976.4); c.1415+8174T>A (NM_032974.5); c.1286+8174T>A (NM_001206542.2); short protein forms L522I, L455I, L479I.
Identifiers: ClinVar variation 333442 (VCV000333442.31), dbSNP rs13006529, ClinGen allele CA2053294.

ClinVar aggregate classification (germline): Benign/Likely benign. Review status: criteria provided, multiple submitters, no conflicts (2 of 4 stars). 11 submissions from 11 submitters: Benign (8); Likely benign (1). 2 of the submissions do not count toward it. Last evaluated 2026-02-04.

Conditions:
Autoimmune lymphoproliferative syndrome type 2A (ALPS2A). Also called: CASP10-Related Autoimmune Lymphoproliferative Syndrome; AUTOIMMUNE LYMPHOPROLIFERATIVE SYNDROME, TYPE IIA; Autoimmune lymphoproliferative syndrome type 2. Identifiers: Orphanet 3261, MedGen C1858968, MONDO:0011383, OMIM 603909.

Allele frequency attached by ClinVar (database versions not stated): 1000 Genomes Project 0.32907; 1000 Genomes Project 30x 0.33292; gnomAD exomes 0.40760 and 0.46311; ExAC 0.40988; TOPMed 0.41217; gnomAD 0.41924 and 0.42733; ESP Exome Variant Server 0.44272.

Submissions (11):

Labcorp Genetics (formerly Invitae), Labcorp
Classification: Benign for Autoimmune lymphoproliferative syndrome type 2A. Last evaluated: 2026-02-04. Review status: criteria provided, single submitter. Criteria: Invitae Variant Classification Sherloc (09022015). Collection method: clinical testing. Allele origin: germline.

Blueprint Genetics
Classification: Likely benign. Last evaluated: 2024-11-26. Review status: criteria provided, single submitter. Criteria: ACMG Guidelines, 2015. Collection method: clinical testing. Allele origin: germline.

Unidad de Genómica Garrahan, Hospital de Pediatría Garrahan
Classification: Benign. Last evaluated: 2023-11-12. Review status: criteria provided, single submitter. Criteria: ACMG Guidelines, 2015. Collection method: clinical testing. Allele origin: germline. Affected: no. Observed: 60 variant alleles.
Comment: This variant is classified as Benign based on local population frequency. This variant was detected in 63% of patients studied by a panel of primary immunodeficiencies. Number of patients: 60. Only high quality variants are reported.

Mayo Clinic Laboratories, Mayo Clinic
Classification: Benign. Last evaluated: 2022-09-06. Review status: criteria provided, single submitter. Criteria: ACMG Guidelines, 2015. Collection method: clinical testing. Allele origin: germline. Observed: 464 variant alleles.

Genome-Nilou Lab
Classification: Benign for Autoimmune lymphoproliferative syndrome type 2A. Last evaluated: 2021-07-14. Review status: criteria provided, single submitter. Criteria: ACMG Guidelines, 2015. Collection method: clinical testing. Allele origin: germline. Affected: no.

Illumina Laboratory Services, Illumina
Classification: Benign for Autoimmune lymphoproliferative syndrome type 2A. Last evaluated: 2018-01-13. Review status: criteria provided, single submitter. Criteria: ICSL Variant Classification Criteria 13 December 2019. Collection method: clinical testing. Allele origin: germline.
Comment: This variant was observed in the ICSL laboratory as part of a predisposition screen in an ostensibly healthy population. It had not been previously curated by ICSL or reported in the Human Gene Mutation Database (HGMD: prior to June 1st, 2018), and was therefore a candidate for classification through an automated scoring system. Utilizing variant allele frequency, disease prevalence and penetrance estimates, and inheritance mode, an automated score was calculated to assess if this variant is too frequent to cause the disease. Based on the score and internal cut-off values, a variant classified as benign is not then subjected to further curation. The score for this variant resulted in a classification of benign for this disease.

Laboratory for Molecular Medicine, Mass General Brigham Personalized Medicine
Classification: Benign. Last evaluated: 2016-03-29. Review status: criteria provided, single submitter. Criteria: LMM Criteria. Collection method: clinical testing. Allele origin: germline.
Comment: Variant identified in a genome or exome case(s) and assessed due to predicted null impact of the variant or pathogenic assertions in the literature or databases. Disclaimer: This variant has not undergone full assessment. The following are preliminary notes: Frequency

GeneDx
Classification: Benign. Last evaluated: 2015-03-03. Review status: criteria provided, single submitter. Criteria: GeneDx Variant Classification Process June 2021. Collection method: clinical testing. Allele origin: germline. Affected: yes.

Breakthrough Genomics
Classification: Benign. Review status: criteria provided, single submitter. Criteria: ACMG Guidelines, 2015. Collection method: not provided. Allele origin: germline. Inheritance: Autosomal dominant inheritance. Affected: yes.

Diagnostic Laboratory, Department of Genetics, University Medical Center Groningen
Classification: Benign. Review status: no assertion criteria provided. Collection method: clinical testing. Allele origin: germline. Affected: yes. Study: VKGL Data-share Consensus. Not counted in ClinVar's aggregate classification.

Genome Diagnostics Laboratory, University Medical Center Utrecht
Classification: Benign. Review status: no assertion criteria provided. Collection method: clinical testing. Allele origin: germline. Affected: yes. Study: VKGL Data-share Consensus. Not counted in ClinVar's aggregate classification.